The following is an entry in ClinVar:

ClinVar aggregate classification (germline): Pathogenic (1 of 4 stars; one submission).

Submission:

Labcorp Genetics (formerly Invitae), Labcorp
Classification: Pathogenic. Last evaluated: 2022-03-02. Review status: criteria provided, single submitter. Criteria: Invitae Variant Classification Sherloc (09022015). Collection method: clinical testing. Allele origin: germline.
Comment: For these reasons, this variant has been classified as Pathogenic. This variant has not been reported in the literature in individuals affected with TRAPPC9-related conditions. This variant is a gross deletion of the genomic region encompassing exon(s) 10 of the TRAPPC9 gene. This deletion is out-of-frame, and is expected to create a premature termination codon and result in an absent or disrupted protein product. Loss-of-function variants in TRAPPC9 are known to be pathogenic (PMID: 2000476, 20004763, 20004764).

Literature cited by the submitters: PubMed 2000476; PubMed 20004763; PubMed 20004764.

NC_000008.10:g.(?_141321327)_(141321493_?)del

Gene: TRAPPC9 (trafficking protein particle complex subunit 9; minus strand). Cytogenetic location: 8q24.3.
Variant type: Deletion.
Identifiers: ClinVar variation 1458449 (VCV001458449.5).